The following is an entry in ClinVar:

NM_006017.3(PROM1):c.2113A>G (p.Thr705Ala)

Gene: PROM1 (prominin 1; minus strand). Cytogenetic location: 4p15.32.
Variant type: single nucleotide variant.
Coding change: c.2113A>G on transcript NM_006017.3 (MANE Select); coding-DNA position 2113, A replaced by G.
Protein change: p.Thr705Ala; replaces threonine 705 with alanine.
Molecular consequence: missense variant.
Genome position (GRCh38, 1-based): chr4:15,987,680, T>C on the plus strand (A>G on the coding strand, the complement: PROM1 is on the minus strand). VCF-style: chr4-15987680-T-C. GRCh37 (hg19) VCF-style: chr4-15989303-T-C.
Other names: c.2086A>G, p.Thr696Ala (NM_001145847.2, NM_001145848.2, NM_001145851.2 and 4 more transcripts); c.2113A>G, p.Thr705Ala (NM_001145849.2, NM_001145850.2); short protein forms T705A, T696A.
Identifiers: ClinVar variation 1938567 (VCV001938567.5), dbSNP rs778482358, ClinGen allele CA2866505.

ClinVar aggregate classification (germline): Uncertain significance (1 of 4 stars; one submission).

Allele frequency attached by ClinVar (database versions not stated): ExAC 0.00003.
gnomAD v4.1: 9 of 1,611,786 alleles (0.00056%); highest among the groups gnomAD compares: Non-Finnish European, 0.00076%; no homozygotes.

Submission:

Labcorp Genetics (formerly Invitae), Labcorp
Classification: Uncertain significance. Last evaluated: 2022-10-07. Review status: criteria provided, single submitter. Criteria: Invitae Variant Classification Sherloc (09022015). Collection method: clinical testing. Allele origin: germline.
Comment: In summary, the available evidence is currently insufficient to determine the role of this variant in disease. Therefore, it has been classified as a Variant of Uncertain Significance. Advanced modeling of protein sequence and biophysical properties (such as structural, functional, and spatial information, amino acid conservation, physicochemical variation, residue mobility, and thermodynamic stability) performed at Invitae indicates that this missense variant is not expected to disrupt PROM1 protein function. This variant has not been reported in the literature in individuals affected with PROM1-related conditions. This variant is present in population databases (rs778482358, gnomAD 0.005%). This sequence change replaces threonine, which is neutral and polar, with alanine, which is neutral and non-polar, at codon 705 of the PROM1 protein (p.Thr705Ala).